The following is an entry in ClinVar:

NM_000141.5(FGFR2):c.1645A>G (p.Asn549Asp)

Gene: FGFR2 (fibroblast growth factor receptor 2; minus strand). Cytogenetic location: 10q26.13.
Variant type: single nucleotide variant.
Coding change: c.1645A>G on transcript NM_000141.5 (MANE Select); coding-DNA position 1645, A replaced by G.
Protein change: p.Asn549Asp; replaces asparagine 549 with aspartic acid.
Molecular consequence: missense variant. On other transcripts: non-coding transcript variant (1).
Genome position (GRCh38, 1-based): chr10:121,498,522, T>C on the plus strand (A>G on the coding strand, the complement: FGFR2 is on the minus strand). VCF-style: chr10-121498522-T-C. GRCh37 (hg19) VCF-style: chr10-123258036-T-C.
Other names: c.1300A>G, p.Asn434Asp (NM_001144916.2, NM_001441090.1); c.1297A>G, p.Asn433Asp (NM_001144917.2); c.1294A>G, p.Asn432Asp (NM_001144918.2, NM_001441091.1); c.1381A>G, p.Asn461Asp (NM_001144919.2); c.961A>G, p.Asn321Asp (NM_001320654.2); c.1639A>G, p.Asn547Asp (NM_001320658.2); c.1642A>G, p.Asn548Asp (NM_001441087.1); c.1375A>G, p.Asn459Asp (NM_001441088.1); and 4 more; short protein forms N321D, N432D, N433D, N434D, N437D, N458D, N459D, N460D.
Identifiers: ClinVar variation 4282428 (VCV004282428.1).
Genomic context (GRCh38, chr10:121,498,522, plus strand): 5'-ATTTGGGCGAATGCAGTTTTTCCTCCTACTCACCATCCTGTGTGCAGGCTCCAAGAAGAT[T>C]TATGATATTCTTGTGTTTCCCAATCATCTTCATCATCTCCATCTCTGACACCAGATCAGA-3'
Protein context (NP_000132.3, residues 539-559): KMIGKHKNII[Asn549Asp]LLGACTQDGP

ClinVar aggregate classification (germline): Pathogenic (1 of 4 stars; one submission).

Submission:

GeneDx
Classification: Pathogenic. Last evaluated: 2025-04-09. Review status: criteria provided, single submitter. Criteria: GeneDx Variant Classification Process June 2021. Collection method: clinical testing. Allele origin: germline. Affected: yes.
Comment: Not observed at significant frequency in large population cohorts (gnomAD); In silico analysis supports that this missense variant has a deleterious effect on protein structure/function; Functional studies show that p.(N549D) is relatively resistant to FGFR tyrosine kinase inhibitors (PMID: 34272467); This variant is associated with the following publications: (PMID: 11781872, 34272467)